The following is an entry in ClinVar:

NM_201384.3(PLEC):c.2455G>T (p.Glu819Ter)

Gene: PLEC (plectin; minus strand). Cytogenetic location: 8q24.3.
Variant type: single nucleotide variant.
Coding change: c.2455G>T on transcript NM_201384.3 (MANE Select); coding-DNA position 2455, G replaced by T.
Protein change: p.Glu819Ter; replaces glutamic acid 819 with a stop codon.
Molecular consequence: nonsense.
Genome position (GRCh38, 1-based): chr8:143,930,386, C>A on the plus strand (G>T on the coding strand, the complement: PLEC is on the minus strand). VCF-style: chr8-143930386-C-A. GRCh37 (hg19) VCF-style: chr8-145004554-C-A.
Other names: c.2536G>T, p.Glu846Ter (NM_000445.5); c.2413G>T, p.Glu805Ter (NM_201378.4); c.2389G>T, p.Glu797Ter (NM_201379.3); c.2866G>T, p.Glu956Ter (NM_201380.4); c.2359G>T, p.Glu787Ter (NM_201381.3); c.2455G>T, p.Glu819Ter (NM_201382.4); c.2467G>T, p.Glu823Ter (NM_201383.3); short protein forms E787*, E797*, E805*, E819*, E823*, E846*, E956*.
Identifiers: ClinVar variation 1292045 (VCV001292045.2), dbSNP rs1554713693, ClinGen allele CA372574389.

ClinVar aggregate classification (germline): Pathogenic (0 of 4 stars; one submission).

Conditions:
Epidermolysis bullosa simplex 5C, with pyloric atresia (EBS5C). Also called: PLEC-Related Epidermolysis Bullosa with Pyloric Atresia; Epidermolysis bullosa simplex with pyloric atresia; PLEC1-Related Epidermolysis Bullosa with Pyloric Atresia. Identifiers: Orphanet 158684, MedGen C2677349, MONDO:0012807, OMIM 612138.

Submission:

Department of Pediatrics, Division of Medical Genetics, Faculty of Medicine Ramathibodi Hospital, Mahidol University
Classification: Pathogenic for Epidermolysis bullosa simplex 5C, with pyloric atresia. Last evaluated: 2020-12-08. Review status: no assertion criteria provided. Collection method: research. Allele origin: germline. Inheritance: Autosomal recessive inheritance. Affected: yes.
Comment: The c.2866G>T variant meets ACMG criteria to be classified as pathogenic based upon null variant, absent from controls, multiple lines of computational evidence support a deleterious effect on the gene, and patient’s phenotype or family history is highly specific for the disease.